The following is an entry in ClinVar:

NM_014758.3(SNX19):c.949A>G (p.Ser317Gly)

Gene: SNX19 (sorting nexin 19; minus strand). Cytogenetic location: 11q25.
Variant type: single nucleotide variant.
Coding change: c.949A>G on transcript NM_014758.3 (MANE Select); coding-DNA position 949, A replaced by G.
Protein change: p.Ser317Gly; replaces serine 317 with glycine.
Molecular consequence: missense variant. On other transcripts: non-coding transcript variant (1), intron variant (7).
Genome position (GRCh38, 1-based): chr11:130,914,991, T>C on the plus strand (A>G on the coding strand, the complement: SNX19 is on the minus strand). VCF-style: chr11-130914991-T-C. GRCh37 (hg19) VCF-style: chr11-130784886-T-C.
Other names: NC_000011.9:g.130784886T>C; c.949A>G, p.Ser317Gly (NM_001347918.2, NM_001347919.2, NM_001347920.2 and 1 more transcripts); c.-48+1289A>G (NM_001347924.2); c.-337+1289A>G (NM_001347927.2); c.-187+1289A>G (NM_001347926.2, NM_001301089.2); c.-234+1289A>G (NM_001347923.2); c.-628+1289A>G (NM_001347925.2); c.-53-242A>G (NM_001347922.2); short protein forms S317G.
Identifiers: ClinVar variation 720700 (VCV000720700.29), dbSNP rs117260465, ClinGen allele CA6367144.

ClinVar aggregate classification (germline): Benign. Review status: criteria provided, multiple submitters, no conflicts (2 of 4 stars). 3 submissions from 3 submitters: Benign (3). Last evaluated 2023-02-01.

Allele frequency attached by ClinVar (database versions not stated): 1000 Genomes Project 30x 0.00406; 1000 Genomes Project 0.00419; TOPMed 0.00590; ESP Exome Variant Server 0.00639; gnomAD 0.00736; gnomAD exomes 0.00744; ExAC 0.00775.
gnomAD v4.1: 14,064 of 1,614,186 alleles (0.87%); highest among the groups gnomAD compares: Non-Finnish European, 1%; 92 homozygotes.

Submissions (14):

CeGaT Center for Human Genetics Tuebingen
Classification: Benign. Last evaluated: 2023-02-01. Review status: criteria provided, single submitter. Criteria: CeGaT Center For Human Genetics Tuebingen Variant Classification Criteria Version 2. Collection method: clinical testing. Allele origin: germline. Affected: yes. Observed: 1 variant allele.
Comment: SNX19: BP4, BS1, BS2

Labcorp Genetics (formerly Invitae), Labcorp
Classification: Benign. Last evaluated: 2018-12-15. Review status: criteria provided, single submitter. Criteria: Invitae Variant Classification Sherloc (09022015). Collection method: clinical testing. Allele origin: germline.

Breakthrough Genomics
Classification: Benign. Review status: criteria provided, single submitter. Criteria: ACMG Guidelines, 2015. Collection method: not provided. Allele origin: germline. Inheritance: Unknown mechanism. Affected: yes.

Dr. Peter K. Rogan Lab, Western University
No classification provided (evidence only). Condition: Clear cell carcinoma of kidney. Review status: no classification provided. Collection method: in vitro. Allele origin: not applicable. Functional consequence: retained intron. Not counted in ClinVar's aggregate classification.

Dr. Peter K. Rogan Lab, Western University
No classification provided (evidence only). Condition: Lung cancer. Review status: no classification provided. Collection method: in vitro. Allele origin: not applicable. Functional consequence: retained intron. Not counted in ClinVar's aggregate classification.

Dr. Peter K. Rogan Lab, Western University
No classification provided (evidence only). Condition: Lung cancer. Review status: no classification provided. Collection method: in vitro. Allele origin: not applicable. Functional consequence: retained intron. Not counted in ClinVar's aggregate classification.

Dr. Peter K. Rogan Lab, Western University
No classification provided (evidence only). Condition: Melanoma. Review status: no classification provided. Collection method: in vitro. Allele origin: not applicable. Functional consequence: retained intron. Not counted in ClinVar's aggregate classification.

Dr. Peter K. Rogan Lab, Western University
No classification provided (evidence only). Condition: Acute myeloid leukemia. Review status: no classification provided. Collection method: in vitro. Allele origin: not applicable. Functional consequence: retained intron. Not counted in ClinVar's aggregate classification.

Dr. Peter K. Rogan Lab, Western University
No classification provided (evidence only). Condition: Colorectal cancer. Review status: no classification provided. Collection method: in vitro. Allele origin: not applicable. Functional consequence: retained intron. Not counted in ClinVar's aggregate classification.

Dr. Peter K. Rogan Lab, Western University
No classification provided (evidence only). Condition: Hepatocellular carcinoma. Review status: no classification provided. Collection method: in vitro. Allele origin: not applicable. Functional consequence: retained intron. Not counted in ClinVar's aggregate classification.

Dr. Peter K. Rogan Lab, Western University
No classification provided (evidence only). Condition: Ovarian serous cystadenocarcinoma. Review status: no classification provided. Collection method: in vitro. Allele origin: not applicable. Functional consequence: retained intron. Not counted in ClinVar's aggregate classification.

Dr. Peter K. Rogan Lab, Western University
No classification provided (evidence only). Condition: Ovarian serous cystadenocarcinoma. Review status: no classification provided. Collection method: in vitro. Allele origin: not applicable. Functional consequence: retained intron. Not counted in ClinVar's aggregate classification.

Dr. Peter K. Rogan Lab, Western University
No classification provided (evidence only). Condition: Ovarian serous cystadenocarcinoma. Review status: no classification provided. Collection method: in vitro. Allele origin: not applicable. Functional consequence: retained intron. Not counted in ClinVar's aggregate classification.

Dr. Peter K. Rogan Lab, Western University
No classification provided (evidence only). Condition: Gastric cancer. Review status: no classification provided. Collection method: in vitro. Allele origin: not applicable. Functional consequence: retained intron. Not counted in ClinVar's aggregate classification.